The following is an entry in ClinVar:

NM_001382391.1(CSPP1):c.-66G>A

Gene: CSPP1 (centrosome and spindle pole associated protein 1; plus strand). Cytogenetic location: 8q13.1.
Variant type: single nucleotide variant.
Coding change: c.-66G>A on transcript NM_001382391.1 (MANE Select); 66 bases upstream of the start codon, G replaced by A.
Molecular consequence: 5 prime UTR variant. On other transcripts: missense variant (3).
Genome position (GRCh38, 1-based): chr8:67,064,483, G>A. VCF-style: chr8-67064483-G-A. GRCh37 (hg19) VCF-style: chr8-67976718-G-A.
Other names: c.-66G>A (NM_001363131.2, NM_001363132.2, NM_001363133.2); c.85G>A, p.Ala29Thr (NM_001364869.1, NM_001364870.1, NM_024790.7); short protein forms A29T.
Identifiers: ClinVar variation 1354597 (VCV001354597.6), dbSNP rs2129538438, ClinGen allele CA371208743.
Genomic context (GRCh38, chr8:67,064,483, plus strand): 5'-GCTGTAACCTCTTCGGTCCGCGACGATCCTCTAGAGCACTGTGTGTCTCCCCGGACGCGA[G>A]CCCGCTCCCCTGAGTAAGAGTCAGCCAGCCGCGGATGGGGAGCGTGAGTGGCGAGGTGTG-3'

ClinVar aggregate classification (germline): Uncertain significance (1 of 4 stars; one submission).

Conditions:
Joubert syndrome 21 (JBTS21). Identifiers: MedGen C3810212, MONDO:0014288, OMIM 615636.

Allele frequency attached by ClinVar (database versions not stated): gnomAD exomes below 0.00001.
gnomAD v4.1: 2 of 1,613,886 alleles (0.00012%); highest among the groups gnomAD compares: Non-Finnish European, 0.00017%; no homozygotes.

Submission:

Labcorp Genetics (formerly Invitae), Labcorp
Classification: Uncertain significance for Joubert syndrome 21. Last evaluated: 2021-12-01. Review status: criteria provided, single submitter. Criteria: Invitae Variant Classification Sherloc (09022015). Collection method: clinical testing. Allele origin: germline.
Comment: This sequence change replaces alanine, which is neutral and non-polar, with threonine, which is neutral and polar, at codon 29 of the CSPP1 protein (p.Ala29Thr). This variant is not present in population databases (gnomAD no frequency). This variant has not been reported in the literature in individuals affected with CSPP1-related conditions. Algorithms developed to predict the effect of missense changes on protein structure and function (SIFT, PolyPhen-2, Align-GVGD) all suggest that this variant is likely to be tolerated. In summary, the available evidence is currently insufficient to determine the role of this variant in disease. Therefore, it has been classified as a Variant of Uncertain Significance.